The following is an entry in ClinVar:

NM_006922.4(SCN3A):c.603-1G>A

Gene: SCN3A (sodium voltage-gated channel alpha subunit 3; minus strand). Cytogenetic location: 2q24.3.
Variant type: single nucleotide variant.
Coding change: c.603-1G>A on transcript NM_006922.4 (MANE Select); the canonical splice acceptor site of the intron before coding-DNA position 603, G replaced by A.
Molecular consequence: splice acceptor variant. On other transcripts: intron variant (1).
Genome position (GRCh38, 1-based): chr2:165,163,710, C>T on the plus strand (G>A on the coding strand, the complement: SCN3A is on the minus strand). VCF-style: chr2-165163710-C-T. GRCh37 (hg19) VCF-style: chr2-166020220-C-T.
Other names: c.603-1G>A (NM_001081676.2); c.694+92G>A (NM_001081677.2).
Identifiers: ClinVar variation 4812922 (VCV004812922.1).
Genomic context (GRCh38, chr2:165,163,710, plus strand): 5'-AGAACTCTGAATGTTCTCAACGCTGAGACATTGCCCAGGTCCACAAACTCTGTCACATAT[C>T]TGTAATAGGGGAGTTCACACACAAACACAATAACACACAAGAAAAGTTGGAGATATAAGG-3'

ClinVar aggregate classification (germline): Uncertain significance (1 of 4 stars; one submission).

Submission:

GeneDx
Classification: Uncertain significance. Last evaluated: 2025-08-30. Review status: criteria provided, single submitter. Criteria: GeneDx Variant Classification Process June 2021. Collection method: clinical testing. Allele origin: germline. Affected: yes.
Comment: Canonical splice site variant in a gene or region of a gene for which loss of function is not a well-established mechanism of disease; Not observed at significant frequency in large population cohorts (gnomAD); Has not been previously published as pathogenic or benign to our knowledge